The following is an entry in ClinVar:

ClinVar aggregate classification (germline): Conflicting classifications of pathogenicity. Review status: criteria provided, conflicting classifications (1 of 4 stars). 7 submissions from 7 submitters: Uncertain significance (3); Benign (1); Likely benign (3). Last evaluated 2026-01-28.

Conditions:
Mitochondrial DNA depletion syndrome 3 (hepatocerebral type). Also called: MITOCHONDRIAL DNA DEPLETION SYNDROME 3; Deoxyguanosine Kinase Deficiency; Mitochondrial DNA depletion syndrome, hepatocerebral form due to DGUOK deficiency. Identifiers: Orphanet 279934, MedGen CN074093, MONDO:0009636, OMIM 251880.
Inborn genetic diseases. Identifiers: MedGen C0950123, MeSH D030342.

Allele frequency attached by ClinVar (database versions not stated): 1000 Genomes Project 30x 0.00016; 1000 Genomes Project 0.00020; ESP Exome Variant Server 0.00054; ExAC 0.00056; gnomAD 0.00061 and 0.00064; gnomAD exomes 0.00069; TOPMed 0.00077.
gnomAD v4.1: 961 of 1,613,028 alleles (0.06%); highest among the groups gnomAD compares: Middle Eastern, 1.3%; 1 homozygote.

Submissions (7):

Labcorp Genetics (formerly Invitae), Labcorp
Classification: Likely benign. Last evaluated: 2026-01-28. Review status: criteria provided, single submitter. Criteria: Invitae Variant Classification Sherloc (09022015). Collection method: clinical testing. Allele origin: germline.

Blueprint Genetics
Classification: Likely benign. Last evaluated: 2024-11-14. Review status: criteria provided, single submitter. Criteria: ACMG Guidelines, 2015. Collection method: clinical testing. Allele origin: germline.

Ambry Genetics
Classification: Uncertain significance for Inborn genetic diseases. Last evaluated: 2022-09-17. Review status: criteria provided, single submitter. Criteria: Ambry Variant Classification Scheme 2023. Collection method: clinical testing. Allele origin: germline.
Comment: The c.708-3T>C intronic alteration consists of a T to C substitution 3 nucleotides before coding exon 6 in the DGUOK gene. Based on insufficient or conflicting evidence, the clinical significance of this alteration remains unclear.

Eurofins Ntd Llc (ga)
Classification: Uncertain significance. Last evaluated: 2018-02-12. Review status: criteria provided, single submitter. Criteria: EGL ClinVar v180209 classification definitions. Collection method: clinical testing. Allele origin: germline. Observed: 9 variant alleles, 8 heterozygotes, 1 homozygote.

Illumina Laboratory Services, Illumina
Classification: Uncertain significance for Mitochondrial DNA depletion syndrome 3 (hepatocerebral type). Last evaluated: 2018-01-12. Review status: criteria provided, single submitter. Criteria: ICSL Variant Classification Criteria 13 December 2019. Collection method: clinical testing. Allele origin: germline.

CeGaT Center for Human Genetics Tuebingen
Classification: Likely benign. Last evaluated: 2017-08-01. Review status: criteria provided, single submitter. Criteria: CeGaT Center For Human Genetics Tuebingen Variant Classification Criteria Version 2. Collection method: clinical testing. Allele origin: germline. Affected: yes. Observed: 1 variant allele.

GeneDx
Classification: Benign. Last evaluated: 2014-07-15. Review status: criteria provided, single submitter. Criteria: GeneDx Variant Classification (06012015). Collection method: clinical testing. Allele origin: germline. Affected: yes.
Comment: This variant is considered likely benign or benign based on one or more of the following criteria: it is a conservative change, it occurs at a poorly conserved position in the protein, it is predicted to be benign by multiple in silico algorithms, and/or has population frequency not consistent with disease.

NM_080916.3(DGUOK):c.708-3T>C

Genes: DGUOK (deoxyguanosine kinase; plus strand), DGUOK-AS1 (DGUOK antisense RNA 1; minus strand). Cytogenetic location: 2p13.1.
Variant type: single nucleotide variant.
Coding change: c.708-3T>C on transcript NM_080916.3 (MANE Select); 3 bases into the intron before coding-DNA position 708, T replaced by C.
Molecular consequence: intron variant. On other transcripts: non-coding transcript variant (2).
Genome position (GRCh38, 1-based): chr2:73,958,143, T>C. VCF-style: chr2-73958143-T-C. GRCh37 (hg19) VCF-style: chr2-74185270-T-C.
Other names: c.417-3T>C (NM_001318861.2, NM_001318860.2); c.399-3T>C (NM_001318862.2, NM_001318863.2); c.444-3T>C (NM_080918.3); c.426-3T>C (NM_001318859.2).
Identifiers: ClinVar variation 214279 (VCV000214279.59), dbSNP rs370071744, ClinGen allele CA323619.
Genomic context (GRCh38, chr2:73,958,143, plus strand): 5'-GTGAAACTTGACTCAAGTTACATTTCTTTTTTTCTGTCCCCCAAACGTTCACGCTTCTTA[T>C]AGGCTCCACTTTGAGGCTCTGATGAACATTCCAGTGCTGGTGTTGGATGTCAATGATGAT-3'